The following is an entry in ClinVar:

NM_000492.4(CFTR):c.1166C>T (p.Thr389Ile)

Gene: CFTR (CF transmembrane conductance regulator; plus strand). Cytogenetic location: 7q31.2.
Variant type: single nucleotide variant.
Coding change: c.1166C>T on transcript NM_000492.4 (MANE Select); coding-DNA position 1166, C replaced by T.
Protein change: p.Thr389Ile; replaces threonine 389 with isoleucine.
Molecular consequence: missense variant.
Genome position (GRCh38, 1-based): chr7:117,542,065, C>T. VCF-style: chr7-117542065-C-T. GRCh37 (hg19) VCF-style: chr7-117182119-C-T.
Other names: short protein forms T389I.
Identifiers: ClinVar variation 2453618 (VCV002453618.2), dbSNP rs2485030380, ClinGen allele CA368980081.

ClinVar aggregate classification (germline): Uncertain significance (1 of 4 stars; one submission).

Conditions:
Cystic fibrosis (CF). Also called: MUCOVISCIDOSIS. Identifiers: Orphanet 586, MedGen C0010674, MONDO:0009061, OMIM 219700. Disease mechanism: loss of function.

Submission:

Ambry Genetics
Classification: Uncertain significance for Cystic fibrosis. Last evaluated: 2022-12-07. Review status: criteria provided, single submitter. Criteria: Ambry Variant Classification Scheme 2023. Collection method: clinical testing. Allele origin: germline.
Comment: The p.T389I variant (also known as c.1166C>T), located in coding exon 9 of the CFTR gene, results from a C to T substitution at nucleotide position 1166. The threonine at codon 389 is replaced by isoleucine, an amino acid with similar properties. This amino acid position is well conserved in available vertebrate species. In addition, the in silico prediction for this alteration is inconclusive. Since supporting evidence is limited at this time, the clinical significance of this alteration remains unclear.